The following is an entry in ClinVar:

NC_000009.12:g.(?_94639121)_(94639330_?)del

Gene: FBP1 (fructose-bisphosphatase 1; minus strand). Cytogenetic location: 9q22.32.
Variant type: Deletion.
Identifiers: ClinVar variation 831512 (VCV000831512.1).

ClinVar aggregate classification (germline): Pathogenic (1 of 4 stars; one submission).

Conditions:
Fructose-biphosphatase deficiency (FBP1D). Also called: Fructose 1,6 Bisphosphatase Deficiency; Fructose-1,6-Bisphosphatase 1 Deficiency; Fructose-1,6-Diphosphatase Deficiency. Identifiers: Orphanet 348, MedGen C0016756, MONDO:0009251, OMIM 229700.

Submission:

Labcorp Genetics (formerly Invitae), Labcorp
Classification: Pathogenic for Fructose-biphosphatase deficiency. Last evaluated: 2019-07-28. Review status: criteria provided, single submitter. Criteria: Invitae Variant Classification Sherloc (09022015). Collection method: clinical testing. Allele origin: germline.
Comment: This variant is a gross deletion of the genomic region encompassing exon 1 of the FBP1 gene, which includes the initiator codon. The 5' end of this event is unknown as it extends beyond the assayed region for this gene and therefore may encompass additional genes. The 3' boundary is likely confined to intron 1 of the FBP1 gene. This is expected to result in an absent or disrupted protein product. This variant has been observed in several families affected with fructose-1,6-bisphosphatase deficiency (PMID: 11286391). Loss-of-function variants in FBP1 are known to be pathogenic (PMID: 9382095, 19259699, 27101822). For these reasons, this variant has been classified as Pathogenic.

Literature cited by the submitters: PubMed 11286391.